The following is an entry in ClinVar:

ClinVar aggregate classification (germline): Uncertain significance (1 of 4 stars; one submission).

Submission:

Women's Health and Genetics/Laboratory Corporation of America, LabCorp
Classification: Uncertain significance. Last evaluated: 2025-12-04. Review status: criteria provided, single submitter. Criteria: LabCorp Variant Classification Summary - May 2015. Collection method: clinical testing. Allele origin: germline.
Comment: Variant summary: AIPL1 c.767T>G (p.Ile256Ser) results in a non-conservative amino acid change in the encoded protein sequence. Algorithms developed to predict the effect of missense changes on protein structure and function are either unavailable or do not agree on the potential impact of this missense change. The variant was absent in 251198 control chromosomes. The available data on variant occurrences in the general population are insufficient to allow any conclusion about variant significance. c.767T>G has been observed in individual(s) affected with Cone-Rod Dystrophy (Boulanger-Scemama_2015). These data do not allow any conclusion about variant significance. To our knowledge, no experimental evidence demonstrating an impact on protein function has been reported. The following publication has been ascertained in the context of this evaluation (PMID: 26103963). No submitters have cited clinical-significance assessments for this variant to ClinVar. Based on the evidence outlined above, the variant was classified as uncertain significance.

Literature cited by the submitters: PubMed 26103963.

NM_014336.5(AIPL1):c.767T>G (p.Ile256Ser)

Gene: AIPL1 (AIP like 1 HSP90 co-chaperone; minus strand). Cytogenetic location: 17p13.2.
Variant type: single nucleotide variant.
Coding change: c.767T>G on transcript NM_014336.5 (MANE Select); coding-DNA position 767, T replaced by G.
Protein change: p.Ile256Ser; replaces isoleucine 256 with serine.
Molecular consequence: missense variant.
Genome position (GRCh38, 1-based): chr17:6,426,632, A>C on the plus strand (T>G on the coding strand, the complement: AIPL1 is on the minus strand). VCF-style: chr17-6426632-A-C. GRCh37 (hg19) VCF-style: chr17-6329952-A-C.
Other names: c.578T>G, p.Ile193Ser (NM_001033054.3); c.587T>G, p.Ile196Ser (NM_001033055.3); c.731T>G, p.Ile244Ser (NM_001285399.3); c.701T>G, p.Ile234Ser (NM_001285400.3); c.695T>G, p.Ile232Ser (NM_001285401.3); c.650T>G, p.Ile217Ser (NM_001285402.2); c.743T>G, p.Ile248Ser (NM_001285403.4); short protein forms I193S, I196S, I217S, I232S, I234S, I244S, I248S, I256S.
Identifiers: ClinVar variation 4688583 (VCV004688583.1).